The following is an entry in ClinVar:

NM_015295.3(SMCHD1):c.2485G>C (p.Gly829Arg)

Gene: SMCHD1 (structural maintenance of chromosomes flexible hinge domain containing 1; plus strand). Cytogenetic location: 18p11.32.
Variant type: single nucleotide variant.
Coding change: c.2485G>C on transcript NM_015295.3 (MANE Select); coding-DNA position 2485, G replaced by C.
Protein change: p.Gly829Arg; replaces glycine 829 with arginine.
Molecular consequence: missense variant.
Genome position (GRCh38, 1-based): chr18:2,722,545, G>C. VCF-style: chr18-2722545-G-C. GRCh37 (hg19) VCF-style: chr18-2722543-G-C.
Other names: short protein forms G829R.
Identifiers: ClinVar variation 2104767 (VCV002104767.4), dbSNP rs2510071610, ClinGen allele CA401681501.

ClinVar aggregate classification (germline): Uncertain significance (1 of 4 stars; one submission).

Conditions:
Facioscapulohumeral muscular dystrophy 2 (FSHD2). Also called: MUSCULAR DYSTROPHY, FACIOSCAPULOHUMERAL, TYPE 1B; FACIOSCAPULOHUMERAL MUSCULAR DYSTROPHY 2, DIGENIC; FSHD2, DIGENIC. Identifiers: Orphanet 269, MedGen C1834671, MONDO:0008031, OMIM 158901.

Submission:

Labcorp Genetics (formerly Invitae), Labcorp
Classification: Uncertain significance for Facioscapulohumeral muscular dystrophy 2. Last evaluated: 2022-02-28. Review status: criteria provided, single submitter. Criteria: Invitae Variant Classification Sherloc (09022015). Collection method: clinical testing. Allele origin: germline.
Comment: In summary, the available evidence is currently insufficient to determine the role of this variant in disease. Therefore, it has been classified as a Variant of Uncertain Significance. Algorithms developed to predict the effect of missense changes on protein structure and function are either unavailable or do not agree on the potential impact of this missense change (SIFT: "Deleterious"; PolyPhen-2: "Possibly Damaging"; Align-GVGD: "Class C0"). This variant has not been reported in the literature in individuals affected with SMCHD1-related conditions. This variant is not present in population databases (gnomAD no frequency). This sequence change replaces glycine, which is neutral and non-polar, with arginine, which is basic and polar, at codon 829 of the SMCHD1 protein (p.Gly829Arg).